The following is an entry in ClinVar:

ClinVar aggregate classification (germline): Uncertain significance. Review status: criteria provided, multiple submitters, no conflicts (2 of 4 stars). 2 submissions from 2 submitters: Uncertain significance (2). Last evaluated 2024-12-02.

Conditions:
Inborn genetic diseases. Identifiers: MedGen C0950123, MeSH D030342.

gnomAD v4.1: 10 of 1,556,012 alleles (0.00064%); highest among the groups gnomAD compares: African/African-American, 0.0027%; no homozygotes.

Submissions (2):

Labcorp Genetics (formerly Invitae), Labcorp
Classification: Uncertain significance. Last evaluated: 2024-12-02. Review status: criteria provided, single submitter. Criteria: Invitae Variant Classification Sherloc (09022015). Collection method: clinical testing. Allele origin: germline.
Comment: This sequence change replaces glycine, which is neutral and non-polar, with aspartic acid, which is acidic and polar, at codon 526 of the DLL1 protein (p.Gly526Asp). The frequency data for this variant in the population databases is considered unreliable, as metrics indicate poor data quality at this position in the gnomAD database. This variant has not been reported in the literature in individuals affected with DLL1-related conditions. ClinVar contains an entry for this variant (Variation ID: 2551979). An algorithm developed to predict the effect of missense changes on protein structure and function outputs the following: PolyPhen-2: "Benign". The aspartic acid amino acid residue is found in multiple mammalian species, which suggests that this missense change does not adversely affect protein function. In summary, the available evidence is currently insufficient to determine the role of this variant in disease. Therefore, it has been classified as a Variant of Uncertain Significance.

Ambry Genetics
Classification: Uncertain significance for Inborn genetic diseases. Last evaluated: 2023-05-26. Review status: criteria provided, single submitter. Criteria: Ambry Variant Classification Scheme 2023. Collection method: clinical testing. Allele origin: germline.

NM_005618.4(DLL1):c.1577G>A (p.Gly526Asp)

Gene: DLL1 (delta like canonical Notch ligand 1; minus strand). Cytogenetic location: 6q27.
Variant type: single nucleotide variant.
Coding change: c.1577G>A on transcript NM_005618.4 (MANE Select); coding-DNA position 1577, G replaced by A.
Protein change: p.Gly526Asp; replaces glycine 526 with aspartic acid.
Molecular consequence: missense variant.
Genome position (GRCh38, 1-based): chr6:170,283,702, C>T on the plus strand (G>A on the coding strand, the complement: DLL1 is on the minus strand). VCF-style: chr6-170283702-C-T. GRCh37 (hg19) VCF-style: chr6-170592790-C-T.
Other names: short protein forms G526D.
Identifiers: ClinVar variation 2551979 (VCV002551979.5), dbSNP rs756697215, ClinGen allele CA152190557.